The following is an entry in ClinVar:

ClinVar aggregate classification (germline): Uncertain significance (1 of 4 stars; one submission).

Submission:

Labcorp Genetics (formerly Invitae), Labcorp
Classification: Uncertain significance. Last evaluated: 2024-03-12. Review status: criteria provided, single submitter. Criteria: Invitae Variant Classification Sherloc (09022015). Collection method: clinical testing. Allele origin: germline.
Comment: This sequence change replaces threonine, which is neutral and polar, with alanine, which is neutral and non-polar, at codon 1698 of the GPR179 protein (p.Thr1698Ala). This variant is not present in population databases (gnomAD no frequency). This variant has not been reported in the literature in individuals affected with GPR179-related conditions. Algorithms developed to predict the effect of missense changes on protein structure and function output the following: SIFT: "Not Available"; PolyPhen-2: "Benign"; Align-GVGD: "Not Available". The alanine amino acid residue is found in multiple mammalian species, which suggests that this missense change does not adversely affect protein function. In summary, the available evidence is currently insufficient to determine the role of this variant in disease. Therefore, it has been classified as a Variant of Uncertain Significance.

NM_001004334.4(GPR179):c.5092A>G (p.Thr1698Ala)

Gene: GPR179 (G protein-coupled receptor 179; minus strand). Cytogenetic location: 17q12.
Variant type: single nucleotide variant.
Coding change: c.5092A>G on transcript NM_001004334.4 (MANE Select); coding-DNA position 5092, A replaced by G.
Protein change: p.Thr1698Ala; replaces threonine 1698 with alanine.
Molecular consequence: missense variant.
Genome position (GRCh38, 1-based): chr17:38,328,477, T>C on the plus strand (A>G on the coding strand, the complement: GPR179 is on the minus strand). VCF-style: chr17-38328477-T-C. GRCh37 (hg19) VCF-style: chr17-36484360-T-C.
Other names: short protein forms T1698A.
Identifiers: ClinVar variation 3630517 (VCV003630517.2).